The following is an entry in ClinVar:

ClinVar aggregate classification (germline): Uncertain significance (1 of 4 stars; one submission).

Submission:

Labcorp Genetics (formerly Invitae), Labcorp
Classification: Uncertain significance. Last evaluated: 2024-10-17. Review status: criteria provided, single submitter. Criteria: Invitae Variant Classification Sherloc (09022015). Collection method: clinical testing. Allele origin: germline.
Comment: This sequence change replaces alanine, which is neutral and non-polar, with threonine, which is neutral and polar, at codon 481 of the LRRC8A protein (p.Ala481Thr). This variant is not present in population databases (gnomAD no frequency). This variant has not been reported in the literature in individuals affected with LRRC8A-related conditions. An algorithm developed to predict the effect of missense changes on protein structure and function (PolyPhen-2) suggests that this variant is likely to be disruptive. In summary, the available evidence is currently insufficient to determine the role of this variant in disease. Therefore, it has been classified as a Variant of Uncertain Significance.

NM_019594.4(LRRC8A):c.1441G>A (p.Ala481Thr)

Gene: LRRC8A (leucine rich repeat containing 8 VRAC subunit A; plus strand). Cytogenetic location: 9q34.11.
Variant type: single nucleotide variant.
Coding change: c.1441G>A on transcript NM_019594.4 (MANE Select); coding-DNA position 1441, G replaced by A.
Protein change: p.Ala481Thr; replaces alanine 481 with threonine.
Molecular consequence: missense variant.
Genome position (GRCh38, 1-based): chr9:128,908,605, G>A. VCF-style: chr9-128908605-G-A. GRCh37 (hg19) VCF-style: chr9-131670884-G-A.
Other names: c.1441G>A, p.Ala481Thr (NM_001127244.2, NM_001127245.2); short protein forms A481T.
Identifiers: ClinVar variation 3685937 (VCV003685937.2).
Genomic context (GRCh38, chr9:128,908,605, plus strand): 5'-ATCCCGCCCAGCATTGCCCAGCTCACGGGCCTCAAGGAGCTGTGGCTCTACCACACAGCG[G>A]CCAAGATTGAAGCGCCCGCGCTGGCCTTCCTGCGTGAGAACCTGCGGGCGCTGCACATCA-3'
Protein context (NP_062540.2, residues 471-491): LKELWLYHTA[Ala481Thr]KIEAPALAFL